The following is an entry in ClinVar:

NM_001330195.2(NRXN3):c.2648G>A (p.Ser883Asn)

Gene: NRXN3 (neurexin 3; plus strand). Cytogenetic location: 14q31.1.
Variant type: single nucleotide variant.
Coding change: c.2648G>A on transcript NM_001330195.2 (MANE Select); coding-DNA position 2648, G replaced by A.
Protein change: p.Ser883Asn; replaces serine 883 with asparagine.
Molecular consequence: missense variant. On other transcripts: non-coding transcript variant (4).
Genome position (GRCh38, 1-based): chr14:78,966,277, G>A. VCF-style: chr14-78966277-G-A. GRCh37 (hg19) VCF-style: chr14-79432620-G-A.
Other names: c.2648G>A, p.Ser883Asn (NM_001366425.1); c.2660G>A, p.Ser887Asn (NM_001366426.1); c.1529G>A, p.Ser510Asn (NM_004796.6); short protein forms S510N, S883N, S887N.
Identifiers: ClinVar variation 4533824 (VCV004533824.6).

ClinVar aggregate classification (germline): Uncertain significance (1 of 4 stars; one submission).

gnomAD v4.1: 48 of 1,614,102 alleles (0.003%); highest among the groups gnomAD compares: Non-Finnish European, 0.0036%; no homozygotes.

Submission:

CeGaT Center for Human Genetics Tuebingen
Classification: Uncertain significance. Last evaluated: 2025-11-01. Review status: criteria provided, single submitter. Criteria: CeGaT Center For Human Genetics Tuebingen Variant Classification Criteria Version 2. Collection method: clinical testing. Allele origin: germline. Affected: yes. Observed: 1 variant allele.
Comment: NRXN3: PM2